The following is an entry in ClinVar:

NM_152383.5(DIS3L2):c.2533_2534inv (p.Gln845Trp)

Gene: DIS3L2 (DIS3 like 3'-5' exoribonuclease 2; plus strand). Cytogenetic location: 2q37.1.
Variant type: Inversion.
Coding change: c.2533_2534inv on transcript NM_152383.5 (MANE Select).
Protein change: p.Gln845Trp; replaces glutamine 845 with tryptophan.
Molecular consequence: missense variant. On other transcripts: non-coding transcript variant (2), intron variant (1).
Genome position: GRCh38 VCF-style: chr2-232336505-CA-TG. GRCh37 (hg19) VCF-style: chr2-233201215-CA-TG.
Other names: c.1582-6840_1582-6839inv (NM_001257281.2); short protein forms Q845W.
Identifiers: ClinVar variation 4739935 (VCV004739935.1).

ClinVar aggregate classification (germline): Uncertain significance (1 of 4 stars; one submission).

Conditions:
Perlman syndrome (PRLMNS). Identifiers: Orphanet 2849, MedGen C0796113, MONDO:0009965, OMIM 267000.

Submission:

Labcorp Genetics (formerly Invitae), Labcorp
Classification: Uncertain significance for Perlman syndrome. Last evaluated: 2025-12-14. Review status: criteria provided, single submitter. Criteria: Invitae Variant Classification Sherloc (09022015). Collection method: clinical testing. Allele origin: germline.
Comment: This sequence change replaces glutamine, which is neutral and polar, with tryptophan, which is neutral and slightly polar, at codon 845 of the DIS3L2 protein (p.Gln845Trp). Information on the frequency of this variant in the gnomAD database is not available, as this variant may be reported differently in the database. This variant has not been reported in the literature in individuals affected with DIS3L2-related conditions. An algorithm developed to predict the effect of missense changes on protein structure and function (PolyPhen-2) suggests that this variant is likely to be disruptive. In summary, the available evidence is currently insufficient to determine the role of this variant in disease. Therefore, it has been classified as a Variant of Uncertain Significance.